The following is an entry in ClinVar:

ClinVar aggregate classification (germline): Pathogenic (1 of 4 stars; one submission).

Conditions:
Hereditary nonpolyposis colorectal neoplasms. Identifiers: MedGen C0009405, MeSH D003123.

Submission:

Labcorp Genetics (formerly Invitae), Labcorp
Classification: Pathogenic for Hereditary nonpolyposis colon cancer. Last evaluated: 2019-03-28. Review status: criteria provided, single submitter. Criteria: Invitae Variant Classification Sherloc (09022015). Collection method: clinical testing. Allele origin: germline.
Comment: This variant is a gross deletion of the genomic region encompassing exons 1-6 of the MSH6 gene, which includes the initiator codon. The 5' end of this event is unknown as it extends beyond the assayed region for this gene and therefore may encompass additional genes. The 3' boundary is likely confined to intron 6 of the MSH6 gene. This is expected to result in an absent or disrupted protein product. This variant has not been reported in the literature in individuals with MSH6-related disease. Loss-of-function variants in MSH6 are known to be pathogenic (PMID: 24362816, 18269114). For these reasons, this variant has been classified as Pathogenic.

NC_000002.12:g.(?_47783224)_(47805037_?)del

Gene: MSH6 (mutS homolog 6; plus strand). Cytogenetic location: 2p16.3.
Variant type: Deletion.
Identifiers: ClinVar variation 831208 (VCV000831208.1).